The following is an entry in ClinVar:

NM_001032283.3(TMPO):c.565+2251C>T

Gene: TMPO (thymopoietin; plus strand). Cytogenetic location: 12q23.1.
Variant type: single nucleotide variant.
Coding change: c.565+2251C>T on transcript NM_001032283.3 (MANE Select); 2251 bases into the intron after coding-DNA position 565, C replaced by T.
Molecular consequence: intron variant. On other transcripts: missense variant (1).
Genome position (GRCh38, 1-based): chr12:98,534,089, C>T. VCF-style: chr12-98534089-C-T. GRCh37 (hg19) VCF-style: chr12-98927867-C-T.
Other names: c.565+2251C>T (NM_001032284.3, NM_001307975.2); c.1832C>T, p.Thr611Ile (NM_003276.2); short protein forms T611I.
Identifiers: ClinVar variation 1780980 (VCV001780980.7), dbSNP rs1877409856, ClinGen allele CA386154029.
Genomic context (GRCh38, chr12:98,534,089, plus strand): 5'-AGGCTATGCAGGCAGACATTAGTCAAGCTGCACAGATTCTTAGCTCAGATCCTAGTCGTA[C>T]CCACCAAGCGCTTGGGATTCTGAGCAAAACATATGATGCAGCCTCATATATTTGTGAAGC-3'

ClinVar aggregate classification (germline): Uncertain significance. Review status: criteria provided, multiple submitters, no conflicts (2 of 4 stars). 2 submissions from 2 submitters: Uncertain significance (2). Last evaluated 2022-03-07.

Conditions:
Loeys-Dietz syndrome 2 (LDS2). Also called: TGFBR2-Related Loeys-Dietz Syndrome; AORTIC ANEURYSM, FAMILIAL THORACIC 3; MARFAN SYNDROME, TYPE II; Marfan syndrome, type 2 (formerly); Marfan Syndrome type 2; Marfan like connective tissue disorder. Identifiers: Orphanet 284973, Orphanet 558, MedGen C2674574, MONDO:0012427, OMIM 610168.

Allele frequency attached by ClinVar (database versions not stated): TOPMed below 0.00001.
gnomAD v4.1: 1 of 1,612,222 alleles (0.000062%); highest among the groups gnomAD compares: East Asian, 0.0022%; no homozygotes.

Submissions (2):

Labcorp Genetics (formerly Invitae), Labcorp
Classification: Uncertain significance for Loeys-Dietz syndrome 2. Last evaluated: 2022-03-07. Review status: criteria provided, single submitter. Criteria: Invitae Variant Classification Sherloc (09022015). Collection method: clinical testing. Allele origin: germline.
Comment: This variant is not present in population databases (gnomAD no frequency). This variant has not been reported in the literature in individuals affected with TMPO-related conditions. Algorithms developed to predict the effect of missense changes on protein structure and function output the following: SIFT: "Tolerated"; PolyPhen-2: "Benign"; Align-GVGD: "Class C0". The isoleucine amino acid residue is found in multiple mammalian species, which suggests that this missense change does not adversely affect protein function. In summary, the available evidence is currently insufficient to determine the role of this variant in disease. Therefore, it has been classified as a Variant of Uncertain Significance. This sequence change replaces threonine, which is neutral and polar, with isoleucine, which is neutral and non-polar, at codon 611 of the TMPO protein (p.Thr611Ile).

Ambry Genetics
Classification: Uncertain significance. Last evaluated: 2021-10-11. Review status: criteria provided, single submitter. Criteria: Ambry Variant Classification Scheme 2023. Collection method: clinical testing. Allele origin: germline.
Comment: The p.T611I variant (also known as c.1832C>T), located in coding exon 4 of the TMPO gene, results from a C to T substitution at nucleotide position 1832. The threonine at codon 611 is replaced by isoleucine, an amino acid with similar properties. This amino acid position is conserved. In addition, this alteration is predicted to be tolerated by in silico analysis. Since supporting evidence is limited at this time, the clinical significance of this alteration remains unclear.